The following is an entry in ClinVar:

NM_017986.4(SLC52A1):c.476G>A (p.Cys159Tyr)

Gene: SLC52A1 (solute carrier family 52 member 1; minus strand). Cytogenetic location: 17p13.2.
Variant type: single nucleotide variant.
Coding change: c.476G>A on transcript NM_017986.4 (MANE Select); coding-DNA position 476, G replaced by A.
Protein change: p.Cys159Tyr; replaces cysteine 159 with tyrosine.
Molecular consequence: missense variant.
Genome position (GRCh38, 1-based): chr17:5,034,013, C>T on the plus strand (G>A on the coding strand, the complement: SLC52A1 is on the minus strand). VCF-style: chr17-5034013-C-T. GRCh37 (hg19) VCF-style: chr17-4937308-C-T.
Other names: c.476G>A, p.Cys159Tyr (NM_001104577.2); short protein forms C159Y.
Identifiers: ClinVar variation 4797243 (VCV004797243.1).

ClinVar aggregate classification (germline): Uncertain significance (1 of 4 stars; one submission).

Conditions:
Vitamin B2 deficiency. Identifiers: MedGen C0035528.

gnomAD v4.1: 6 of 1,613,864 alleles (0.00037%); highest among the groups gnomAD compares: African/African-American, 0.008%; no homozygotes.

Submission:

Labcorp Genetics (formerly Invitae), Labcorp
Classification: Uncertain significance for Vitamin B2 deficiency. Last evaluated: 2025-08-12. Review status: criteria provided, single submitter. Criteria: Invitae Variant Classification Sherloc (09022015). Collection method: clinical testing. Allele origin: germline.
Comment: This sequence change replaces cysteine, which is neutral and slightly polar, with tyrosine, which is neutral and polar, at codon 159 of the SLC52A1 protein (p.Cys159Tyr). This variant is present in population databases (rs760079118, gnomAD 0.02%). This variant has not been reported in the literature in individuals affected with SLC52A1-related conditions. Invitae Evidence Modeling of protein sequence and biophysical properties (such as structural, functional, and spatial information, amino acid conservation, physicochemical variation, residue mobility, and thermodynamic stability) indicates that this missense variant is expected to disrupt SLC52A1 protein function with a positive predictive value of 80%. In summary, the available evidence is currently insufficient to determine the role of this variant in disease. Therefore, it has been classified as a Variant of Uncertain Significance.